The following is an entry in ClinVar:

ClinVar aggregate classification (germline): Benign/Likely benign. Review status: criteria provided, multiple submitters, no conflicts (2 of 4 stars). 4 submissions from 4 submitters: Benign (2); Likely benign (1). 1 of the submissions does not count toward it. Last evaluated 2026-07-01.

Conditions:
NUP205-related disorder. Also called: NUP205-related condition.

Allele frequency attached by ClinVar (database versions not stated): 1000 Genomes Project 0.00240; 1000 Genomes Project 30x 0.00281; TOPMed 0.00444; gnomAD 0.00496 and 0.00520; ESP Exome Variant Server 0.00531; ExAC 0.00552; gnomAD exomes 0.00567 and 0.00642.
gnomAD v4.1: 10,110 of 1,613,878 alleles (0.63%); highest among the groups gnomAD compares: Middle Eastern, 0.89%; 46 homozygotes.

Submissions (4):

CeGaT Center for Human Genetics Tuebingen
Classification: Likely benign. Last evaluated: 2026-07-01. Review status: criteria provided, single submitter. Criteria: CeGaT Center For Human Genetics Tuebingen Variant Classification Criteria Version 2. Collection method: clinical testing. Allele origin: germline. Affected: yes. Observed: 2 variant alleles.
Comment: NUP205: BP4, BS2

Labcorp Genetics (formerly Invitae), Labcorp
Classification: Benign. Last evaluated: 2026-01-21. Review status: criteria provided, single submitter. Criteria: Invitae Variant Classification Sherloc (09022015). Collection method: clinical testing. Allele origin: germline.

Breakthrough Genomics
Classification: Benign. Review status: criteria provided, single submitter. Criteria: ACMG Guidelines, 2015. Collection method: not provided. Allele origin: germline. Inheritance: Autosomal recessive inheritance. Affected: yes.

PreventionGenetics, part of Exact Sciences
Classification: Benign for NUP205-related condition. Last evaluated: 2019-07-15. Review status: no assertion criteria provided. Collection method: clinical testing. Allele origin: germline. Not counted in ClinVar's aggregate classification.
Comment: This variant is classified as benign based on ACMG/AMP sequence variant interpretation guidelines (Richards et al. 2015 PMID: 25741868, with internal and published modifications).

NM_015135.3(NUP205):c.11C>T (p.Pro4Leu)

Gene: NUP205 (nucleoporin 205; plus strand). Cytogenetic location: 7q33.
Variant type: single nucleotide variant.
Coding change: c.11C>T on transcript NM_015135.3 (MANE Select); coding-DNA position 11, C replaced by T.
Protein change: p.Pro4Leu; replaces proline 4 with leucine.
Molecular consequence: missense variant. On other transcripts: 5 prime UTR variant (1).
Genome position (GRCh38, 1-based): chr7:135,557,955, C>T. VCF-style: chr7-135557955-C-T. GRCh37 (hg19) VCF-style: chr7-135242703-C-T.
Other names: c.11C>T (NM_015135.2); c.-1075C>T (NM_001329434.2); short protein forms P4L.
Identifiers: ClinVar variation 1619681 (VCV001619681.24), dbSNP rs73158973, ClinGen allele CA4497725.